The following is an entry in ClinVar:

ClinVar aggregate classification (germline): Uncertain significance. Review status: criteria provided, multiple submitters, no conflicts (2 of 4 stars). 2 submissions from 2 submitters: Uncertain significance (2). Last evaluated 2023-05-03.

Conditions:
Hereditary cancer-predisposing syndrome. Also called: Hereditary neoplastic syndrome; Neoplastic Syndromes, Hereditary; Hereditary Cancer Syndrome; Tumor predisposition. Identifiers: Orphanet 140162, MedGen C0027672, MeSH D009386, MONDO:0015356.
Retinoblastoma (RB1). Also called: RETINOBLASTOMA, SOMATIC. Identifiers: Orphanet 790, MedGen C0035335, MeSH D012175, MONDO:0008380, OMIM 180200, HP:0009919. Disease mechanism: loss of function. Inheritance: Both sporadic and heritable forms are tested..

Submissions (2):

Ambry Genetics
Classification: Uncertain significance for Hereditary cancer-predisposing syndrome. Last evaluated: 2023-05-03. Review status: criteria provided, single submitter. Criteria: Ambry Variant Classification Scheme 2023. Collection method: clinical testing. Allele origin: germline.
Comment: The p.I227V variant (also known as c.679A>G), located in coding exon 7 of the RB1 gene, results from an A to G substitution at nucleotide position 679. The isoleucine at codon 227 is replaced by valine, an amino acid with highly similar properties. This amino acid position is highly conserved in available vertebrate species. In addition, the in silico prediction for this alteration is inconclusive. Since supporting evidence is limited at this time, the clinical significance of this alteration remains unclear.

Labcorp Genetics (formerly Invitae), Labcorp
Classification: Uncertain significance for Retinoblastoma. Last evaluated: 2022-04-10. Review status: criteria provided, single submitter. Criteria: Invitae Variant Classification Sherloc (09022015). Collection method: clinical testing. Allele origin: germline.
Comment: This sequence change replaces isoleucine, which is neutral and non-polar, with valine, which is neutral and non-polar, at codon 227 of the RB1 protein (p.Ile227Val). This variant is not present in population databases (gnomAD no frequency). This variant has not been reported in the literature in individuals affected with RB1-related conditions. Algorithms developed to predict the effect of missense changes on protein structure and function (SIFT, PolyPhen-2, Align-GVGD) all suggest that this variant is likely to be tolerated. In summary, the available evidence is currently insufficient to determine the role of this variant in disease. Therefore, it has been classified as a Variant of Uncertain Significance.

NM_000321.3(RB1):c.679A>G (p.Ile227Val)

Gene: RB1 (RB transcriptional corepressor 1; plus strand). Cytogenetic location: 13q14.2.
Variant type: single nucleotide variant.
Coding change: c.679A>G on transcript NM_000321.3 (MANE Select); coding-DNA position 679, A replaced by G.
Protein change: p.Ile227Val; replaces isoleucine 227 with valine.
Molecular consequence: missense variant.
Genome position (GRCh38, 1-based): chr13:48,360,088, A>G. VCF-style: chr13-48360088-A-G. GRCh37 (hg19) VCF-style: chr13-48934224-A-G.
Other names: c.679A>G, p.Ile227Val (NM_001407165.1, NM_001407166.1); short protein forms I227V.
Identifiers: ClinVar variation 2167555 (VCV002167555.6), dbSNP rs2138107872, ClinGen allele CA388158454.